The following is an entry in ClinVar:

NM_000069.3(CACNA1S):c.3667-1G>A

Gene: CACNA1S (calcium voltage-gated channel subunit alpha1 S; minus strand). Cytogenetic location: 1q32.1.
Variant type: single nucleotide variant.
Coding change: c.3667-1G>A on transcript NM_000069.3 (MANE Select); the canonical splice acceptor site of the intron before coding-DNA position 3667, G replaced by A.
Molecular consequence: splice acceptor variant.
Genome position (GRCh38, 1-based): chr1:201,053,588, C>T on the plus strand (G>A on the coding strand, the complement: CACNA1S is on the minus strand). VCF-style: chr1-201053588-C-T. GRCh37 (hg19) VCF-style: chr1-201022716-C-T.
Identifiers: ClinVar variation 1324004 (VCV001324004.5), dbSNP rs1660735523, ClinGen allele CA344155140.

ClinVar aggregate classification (germline): Conflicting classifications of pathogenicity. Review status: criteria provided, conflicting classifications (1 of 4 stars). 2 submissions from 2 submitters: Likely pathogenic (1); Uncertain significance (1). Last evaluated 2023-03-28.

Conditions:
Malignant hyperthermia, susceptibility to, 5 (MHS5). Also called: CACNA1S-Related Malignant Hyperthermia Susceptibility. Identifiers: Orphanet 423, MedGen C1866077, MONDO:0011163, OMIM 601887.

Submissions (2):

All of Us Research Program, National Institutes of Health
Classification: Uncertain significance for Malignant hyperthermia, susceptibility to, 5. Last evaluated: 2023-03-28. Review status: criteria provided, single submitter. Criteria: ACMG Guidelines, 2015. Collection method: clinical testing. Allele origin: germline. Inheritance: Autosomal dominant inheritance. Observed: 1 variant allele, 1 heterozygote.
Comment: This study involves interpretation of variants in research participants for the purpose of population health screening. Participant phenotype was not available at the time of variant classification. Additional details can be found in publication PMID: 35346344, PMCID: PMC8962531

Revvity Omics, Revvity
Classification: Likely pathogenic. Last evaluated: 2020-11-18. Review status: criteria provided, single submitter. Criteria: ACMG Guidelines, 2015. Collection method: clinical testing. Allele origin: germline.